The following is an entry in ClinVar:

NM_014363.6(SACS):c.113T>C (p.Ile38Thr)

Genes: SACS (sacsin molecular chaperone; minus strand), LOC130009366 (ATAC-STARR-seq lymphoblastoid silent region 5172; plus strand). Cytogenetic location: 13q12.12.
Variant type: single nucleotide variant.
Coding change: c.113T>C on transcript NM_014363.6 (MANE Select); coding-DNA position 113, T replaced by C.
Protein change: p.Ile38Thr; replaces isoleucine 38 with threonine.
Molecular consequence: missense variant. On other transcripts: 5 prime UTR variant (1).
Genome position (GRCh38, 1-based): chr13:23,375,177, A>G on the plus strand (T>C on the coding strand, the complement: SACS is on the minus strand). VCF-style: chr13-23375177-A-G. GRCh37 (hg19) VCF-style: chr13-23949316-A-G.
Other names: c.-241T>C (NM_001278055.2); c.113T>C, p.Ile38Thr (NM_001437336.1); short protein forms I38T.
Identifiers: ClinVar variation 5040284 (VCV005040284.1).

ClinVar aggregate classification (germline): Uncertain significance (1 of 4 stars; one submission).

gnomAD v4.1: 2 of 1,505,894 alleles (0.00013%); highest among the groups gnomAD compares: Admixed American, 0.0022%; no homozygotes.

Submission:

CeGaT Center for Human Genetics Tuebingen
Classification: Uncertain significance. Last evaluated: 2026-07-01. Review status: criteria provided, single submitter. Criteria: CeGaT Center For Human Genetics Tuebingen Variant Classification Criteria Version 2. Collection method: clinical testing. Allele origin: germline. Affected: yes. Observed: 1 variant allele.
Comment: SACS: PM2